The following is an entry in ClinVar:

NM_004006.3(DMD):c.4471_4472del (p.Lys1491fs)

Gene: DMD (dystrophin; minus strand). Cytogenetic location: Xp21.1.
Variant type: Deletion.
Coding change: c.4471_4472del on transcript NM_004006.3 (MANE Select); coding-DNA positions 4471 to 4472, 2 bases deleted (AA; older notation c.4471_4472delAA).
Protein change: p.Lys1491fs; shifts the reading frame from lysine 1491.
Molecular consequence: frameshift variant.
Genome position (GRCh38, 1-based): chrX:32,389,547-32,389,548, TT deleted on the plus strand (AA on the coding strand, the reverse complement: DMD is on the minus strand); deleting any 2 consecutive bases within chrX:32,389,547-32,389,549 gives the same sequence; the c. name uses the placement nearest the transcript's 3' end. VCF-style (leftmost placement, unchanged base first): chrX-32389546-CTT-C. GRCh37 (hg19) VCF-style: chrX-32407663-CTT-C.
Other names: c.4447_4448del, p.Lys1483fs (NM_000109.4); c.4459_4460del, p.Lys1487fs (NM_004009.3); c.4102_4103del, p.Lys1368fs (NM_004010.3); c.448_449del, p.Lys150fs (NM_004011.4); c.439_440del, p.Lys147fs (NM_004012.4); c.4471_4472delAA (NM_004006.2); short protein forms K1368fs, K1491fs, K147fs, K1483fs, K1487fs, K150fs.
Identifiers: ClinVar variation 94627 (VCV000094627.15), dbSNP rs398123957, ClinGen allele CA267028.

ClinVar aggregate classification (germline): Pathogenic. Review status: criteria provided, multiple submitters, no conflicts (2 of 4 stars). 2 submissions from 2 submitters: Pathogenic (2). Last evaluated 2020-08-14.

Conditions:
Duchenne muscular dystrophy (DMD). Also called: Duchenne Muscular Dystrophy (DMD); MUSCULAR DYSTROPHY, PSEUDOHYPERTROPHIC PROGRESSIVE, DUCHENNE TYPE. Identifiers: Orphanet 98896, MedGen C0013264, MONDO:0010679, OMIM 310200.

Submissions (2):

Labcorp Genetics (formerly Invitae), Labcorp
Classification: Pathogenic for Duchenne muscular dystrophy. Last evaluated: 2020-08-14. Review status: criteria provided, single submitter. Criteria: Invitae Variant Classification Sherloc (09022015). Collection method: clinical testing. Allele origin: germline.
Comment: This sequence change creates a premature translational stop signal (p.Lys1491Glufs*19) in the DMD gene. It is expected to result in an absent or disrupted protein product. This variant is not present in population databases (ExAC no frequency). This variant has been observed in individual(s) with clinical features of DMD-related conditions (PMID: 22161109). This variant is also described as c.4470-4471delAA in the literature. ClinVar contains an entry for this variant (Variation ID: 94627). Loss-of-function variants in DMD are known to be pathogenic (PMID: 16770791, 25007885). For these reasons, this variant has been classified as Pathogenic.

Eurofins Ntd Llc (ga)
Classification: Pathogenic. Last evaluated: 2013-07-24. Review status: criteria provided, single submitter. Criteria: EGL Classification Definitions 2015. Collection method: clinical testing. Allele origin: germline. Observed: 1 variant allele, 1 hemizygote.

Literature cited by the submitters: PubMed 22161109 (cited by Labcorp Genetics (formerly Invitae), Labcorp); PubMed 16770791 (cited by Labcorp Genetics (formerly Invitae), Labcorp); PubMed 25007885 (cited by Labcorp Genetics (formerly Invitae), Labcorp).